The following is an entry in ClinVar:

NM_001083961.2(WDR62):c.2729T>A (p.Leu910Gln)

Gene: WDR62 (WD repeat domain 62; plus strand). Cytogenetic location: 19q13.12.
Variant type: single nucleotide variant.
Coding change: c.2729T>A on transcript NM_001083961.2 (MANE Select); coding-DNA position 2729, T replaced by A.
Protein change: p.Leu910Gln; replaces leucine 910 with glutamine.
Molecular consequence: missense variant.
Genome position (GRCh38, 1-based): chr19:36,099,607, T>A. VCF-style: chr19-36099607-T-A. GRCh37 (hg19) VCF-style: chr19-36590509-T-A.
Other names: c.2729T>A, p.Leu910Gln (NM_173636.5); short protein forms L910Q.
Identifiers: ClinVar variation 437290 (VCV000437290.11), dbSNP rs911479602, ClinGen allele CA307841273.

ClinVar aggregate classification (germline): Uncertain significance. Review status: criteria provided, multiple submitters, no conflicts (2 of 4 stars). 3 submissions from 3 submitters: Uncertain significance (3). Last evaluated 2022-05-20.

Conditions:
Inborn genetic diseases. Identifiers: MedGen C0950123, MeSH D030342.

Allele frequency attached by ClinVar (database versions not stated): gnomAD exomes below 0.00001 and 0.00001; TOPMed 0.00002.
gnomAD v4.1: 5 of 1,614,126 alleles (0.00031%); highest among the groups gnomAD compares: Admixed American, 0.005%; no homozygotes.

Submissions (3):

Labcorp Genetics (formerly Invitae), Labcorp
Classification: Uncertain significance. Last evaluated: 2022-05-20. Review status: criteria provided, single submitter. Criteria: Invitae Variant Classification Sherloc (09022015). Collection method: clinical testing. Allele origin: germline.
Comment: This variant has not been reported in the literature in individuals affected with WDR62-related conditions. ClinVar contains an entry for this variant (Variation ID: 437290). Algorithms developed to predict the effect of missense changes on protein structure and function are either unavailable or do not agree on the potential impact of this missense change (SIFT: "Deleterious"; PolyPhen-2: "Probably Damaging"; Align-GVGD: "Class C0"). In summary, the available evidence is currently insufficient to determine the role of this variant in disease. Therefore, it has been classified as a Variant of Uncertain Significance. This variant is present in population databases (no rsID available, gnomAD 0.006%). This sequence change replaces leucine, which is neutral and non-polar, with glutamine, which is neutral and polar, at codon 910 of the WDR62 protein (p.Leu910Gln).

Ambry Genetics
Classification: Uncertain significance for Inborn genetic diseases. Last evaluated: 2021-05-24. Review status: criteria provided, single submitter. Criteria: Ambry Variant Classification Scheme 2023. Collection method: clinical testing. Allele origin: germline.

Genetic Services Laboratory, University of Chicago
Classification: Uncertain significance. Last evaluated: 2015-12-02. Review status: criteria provided, single submitter. Criteria: ACMG Guidelines, 2015. Collection method: clinical testing. Allele origin: germline. Affected: no.